The following is an entry in ClinVar:

NM_001256789.3(CACNA1F):c.1310G>A (p.Arg437His)

Gene: CACNA1F (calcium voltage-gated channel subunit alpha1 F; minus strand). Cytogenetic location: Xp11.23.
Variant type: single nucleotide variant.
Coding change: c.1310G>A on transcript NM_001256789.3 (MANE Select); coding-DNA position 1310, G replaced by A.
Protein change: p.Arg437His; replaces arginine 437 with histidine.
Molecular consequence: missense variant.
Genome position (GRCh38, 1-based): chrX:49,226,669, C>T on the plus strand (G>A on the coding strand, the complement: CACNA1F is on the minus strand). VCF-style: chrX-49226669-C-T. GRCh37 (hg19) VCF-style: chrX-49083131-C-T.
Other names: c.1148G>A, p.Arg383His (NM_001256790.3); c.1343G>A, p.Arg448His (NM_005183.4); short protein forms R448H, R383H, R437H.
Identifiers: ClinVar variation 1926449 (VCV001926449.5), dbSNP rs782781755, ClinGen allele CA10410897.

ClinVar aggregate classification (germline): Uncertain significance (1 of 4 stars; one submission).

Allele frequency attached by ClinVar (database versions not stated): gnomAD 0.00002; gnomAD exomes 0.00002; ExAC 0.00010; 1000 Genomes Project 30x 0.00042; 1000 Genomes Project 0.00053.
gnomAD v4.1: 24 of 1,181,211 alleles (0.002%); highest among the groups gnomAD compares: South Asian, 0.034%; no homozygotes.

Submission:

Labcorp Genetics (formerly Invitae), Labcorp
Classification: Uncertain significance. Last evaluated: 2023-03-20. Review status: criteria provided, single submitter. Criteria: Invitae Variant Classification Sherloc (09022015). Collection method: clinical testing. Allele origin: germline.
Comment: In summary, the available evidence is currently insufficient to determine the role of this variant in disease. Therefore, it has been classified as a Variant of Uncertain Significance. Algorithms developed to predict the effect of missense changes on protein structure and function output the following: SIFT: "Not Available"; PolyPhen-2: "Possibly Damaging"; Align-GVGD: "Not Available". The histidine amino acid residue is found in multiple mammalian species, which suggests that this missense change does not adversely affect protein function. ClinVar contains an entry for this variant (Variation ID: 1926449). This variant has not been reported in the literature in individuals affected with CACNA1F-related conditions. The frequency data for this variant in the population databases is considered unreliable, as metrics indicate poor data quality at this position in the gnomAD database. This sequence change replaces arginine, which is basic and polar, with histidine, which is basic and polar, at codon 448 of the CACNA1F protein (p.Arg448His).